The following is an entry in ClinVar:

NM_006206.6(PDGFRA):c.944T>C (p.Ile315Thr)

Gene: PDGFRA (platelet derived growth factor receptor alpha; plus strand). Cytogenetic location: 4q12.
Variant type: single nucleotide variant.
Coding change: c.944T>C on transcript NM_006206.6 (MANE Select); coding-DNA position 944, T replaced by C.
Protein change: p.Ile315Thr; replaces isoleucine 315 with threonine.
Molecular consequence: missense variant.
Genome position (GRCh38, 1-based): chr4:54,267,564, T>C. VCF-style: chr4-54267564-T-C. GRCh37 (hg19) VCF-style: chr4-55133731-T-C.
Other names: c.944T>C, p.Ile315Thr (NM_001347827.2, NM_001347829.2); c.1019T>C, p.Ile340Thr (NM_001347828.2); c.983T>C, p.Ile328Thr (NM_001347830.2); short protein forms I328T, I340T, I315T.
Identifiers: ClinVar variation 952279 (VCV000952279.11), dbSNP rs1723108178, ClinGen allele CA356891460.
Genomic context (GRCh38, chr4:54,267,564, plus strand): 5'-GATCCATATGTGGTAATCATTATTTAATGGAAACTCTTCCCTGTACAGAGAAAGGTTTCA[T>C]TGAAATCAAACCCACCTTCAGCCAGTTGGAAGCTGTCAACCTGCATGAAGTCAAACATTT-3'
Protein context (NP_006197.1, residues 305-325): VTISVHEKGF[Ile315Thr]EIKPTFSQLE

ClinVar aggregate classification (germline): Uncertain significance. Review status: criteria provided, multiple submitters, no conflicts (2 of 4 stars). 2 submissions from 2 submitters: Uncertain significance (2). Last evaluated 2025-08-22.

Conditions:
Gastrointestinal stromal tumor. Also called: Gastrointestinal stromal tumor, somatic; Gastrointestinal stroma tumor. Identifiers: Orphanet 44890, MedGen C0238198, MeSH D046152, MONDO:0011719, OMIM 606764, HP:0100723.
Hereditary cancer-predisposing syndrome. Also called: Hereditary neoplastic syndrome; Neoplastic Syndromes, Hereditary; Hereditary Cancer Syndrome; Tumor predisposition. Identifiers: Orphanet 140162, MedGen C0027672, MeSH D009386, MONDO:0015356.

gnomAD v4.1: 1 of 1,614,206 alleles (0.000062%); no homozygotes.

Submissions (2):

Labcorp Genetics (formerly Invitae), Labcorp
Classification: Uncertain significance for Gastrointestinal stromal tumor. Last evaluated: 2025-08-22. Review status: criteria provided, single submitter. Criteria: Invitae Variant Classification Sherloc (09022015). Collection method: clinical testing. Allele origin: germline.
Comment: This sequence change replaces isoleucine, which is neutral and non-polar, with threonine, which is neutral and polar, at codon 315 of the PDGFRA protein (p.Ile315Thr). This variant is not present in population databases (gnomAD no frequency). This variant has not been reported in the literature in individuals affected with PDGFRA-related conditions. ClinVar contains an entry for this variant (Variation ID: 952279). Invitae Evidence Modeling of protein sequence and biophysical properties (such as structural, functional, and spatial information, amino acid conservation, physicochemical variation, residue mobility, and thermodynamic stability) indicates that this missense variant is not expected to disrupt PDGFRA protein function with a negative predictive value of 80%. In summary, the available evidence is currently insufficient to determine the role of this variant in disease. Therefore, it has been classified as a Variant of Uncertain Significance.

Ambry Genetics
Classification: Uncertain significance for Hereditary cancer-predisposing syndrome. Last evaluated: 2024-12-12. Review status: criteria provided, single submitter. Criteria: Ambry Variant Classification Scheme 2023. Collection method: clinical testing. Allele origin: germline.
Comment: The p.I315T variant (also known as c.944T>C), located in coding exon 6 of the PDGFRA gene, results from a T to C substitution at nucleotide position 944. The isoleucine at codon 315 is replaced by threonine, an amino acid with similar properties. This amino acid position is conserved. In addition, this alteration is predicted to be tolerated by in silico analysis. Based on the available evidence, the clinical significance of this variant remains unclear.